The following is an entry in ClinVar:

ClinVar aggregate classification (germline): Uncertain significance. Review status: criteria provided, multiple submitters, no conflicts (2 of 4 stars). 2 submissions from 2 submitters: Uncertain significance (2). Last evaluated 2025-12-15.

Conditions:
Epileptic encephalopathy. Identifiers: MedGen C0543888, HP:0200134.

Allele frequency attached by ClinVar (database versions not stated): gnomAD 0.00001; gnomAD exomes 0.00001; TOPMed 0.00002.
gnomAD v4.1: 6 of 1,613,742 alleles (0.00037%); highest among the groups gnomAD compares: Non-Finnish European, 0.00042%; no homozygotes.

Submissions (2):

Ambry Genetics
Classification: Uncertain significance. Last evaluated: 2025-12-15. Review status: criteria provided, single submitter. Criteria: Ambry Variant Classification Scheme 2023. Collection method: clinical testing. Allele origin: germline.

Labcorp Genetics (formerly Invitae), Labcorp
Classification: Uncertain significance for Epileptic encephalopathy. Last evaluated: 2020-10-09. Review status: criteria provided, single submitter. Criteria: Invitae Variant Classification Sherloc (09022015). Collection method: clinical testing. Allele origin: germline.
Comment: Algorithms developed to predict the effect of missense changes on protein structure and function (SIFT, PolyPhen-2, Align-GVGD) all suggest that this variant is likely to be tolerated, but these predictions have not been confirmed by published functional studies and their clinical significance is uncertain. In summary, the available evidence is currently insufficient to determine the role of this variant in disease. Therefore, it has been classified as a Variant of Uncertain Significance. This variant has not been reported in the literature in individuals with RYR3-related conditions. This variant is not present in population databases (ExAC no frequency). This sequence change replaces threonine with serine at codon 2689 of the RYR3 protein (p.Thr2689Ser). The threonine residue is highly conserved and there is a small physicochemical difference between threonine and serine.

NM_001036.6(RYR3):c.8066C>G (p.Thr2689Ser)

Gene: RYR3 (ryanodine receptor 3; plus strand). Cytogenetic location: 15q14.
Variant type: single nucleotide variant.
Coding change: c.8066C>G on transcript NM_001036.6 (MANE Select); coding-DNA position 8066, C replaced by G.
Protein change: p.Thr2689Ser; replaces threonine 2689 with serine.
Molecular consequence: missense variant.
Genome position (GRCh38, 1-based): chr15:33,748,190, C>G. VCF-style: chr15-33748190-C-G. GRCh37 (hg19) VCF-style: chr15-34040391-C-G.
Other names: c.8066C>G, p.Thr2689Ser (NM_001243996.4); c.8066C>G (NM_001036.3); short protein forms T2689S.
Identifiers: ClinVar variation 1041086 (VCV001041086.9), dbSNP rs1249446520, ClinGen allele CA391582831.